The following is an entry in ClinVar:

ClinVar aggregate classification (germline): Uncertain significance. Review status: criteria provided, multiple submitters, no conflicts (2 of 4 stars). 5 submissions from 5 submitters: Uncertain significance (5). Last evaluated 2025-04-28.

Conditions:
Familial adenomatous polyposis 1 (FAP1). Also called: FAMILIAL ADENOMATOUS POLYPOSIS 1, ATTENUATED; POLYPOSIS, ADENOMATOUS INTESTINAL. Identifiers: MedGen C2713442, MONDO:0021056, OMIM 175100. Disease mechanism: loss of function.
Hereditary cancer-predisposing syndrome. Also called: Tumor predisposition; Hereditary Cancer Syndrome; Hereditary neoplastic syndrome; Neoplastic Syndromes, Hereditary. Identifiers: Orphanet 140162, MedGen C0027672, MeSH D009386, MONDO:0015356.

Allele frequency attached by ClinVar (database versions not stated): gnomAD exomes below 0.00001 and 0.00001; TOPMed below 0.00001.
gnomAD v4.1: 3 of 1,614,060 alleles (0.00019%); highest among the groups gnomAD compares: Middle Eastern, 0.017%; no homozygotes.

Submissions (5):

Labcorp Genetics (formerly Invitae), Labcorp
Classification: Uncertain significance for Familial adenomatous polyposis 1. Last evaluated: 2025-04-28. Review status: criteria provided, single submitter. Criteria: Invitae Variant Classification Sherloc (09022015). Collection method: clinical testing. Allele origin: germline.
Comment: This sequence change replaces proline, which is neutral and non-polar, with leucine, which is neutral and non-polar, at codon 1361 of the APC protein (p.Pro1361Leu). This variant is present in population databases (no rsID available, gnomAD no frequency). This variant has not been reported in the literature in individuals affected with APC-related conditions. ClinVar contains an entry for this variant (Variation ID: 411348). Invitae Evidence Modeling of protein sequence and biophysical properties (such as structural, functional, and spatial information, amino acid conservation, physicochemical variation, residue mobility, and thermodynamic stability) indicates that this missense variant is not expected to disrupt APC protein function with a negative predictive value of 95%. In summary, the available evidence is currently insufficient to determine the role of this variant in disease. Therefore, it has been classified as a Variant of Uncertain Significance.

Color Diagnostics, LLC DBA Color Health
Classification: Uncertain significance for Hereditary cancer-predisposing syndrome. Last evaluated: 2024-12-03. Review status: criteria provided, single submitter. Criteria: ACMG Guidelines, 2015. Collection method: clinical testing. Allele origin: germline.
Comment: This missense variant replaces proline with leucine at codon 1361 of the APC protein. Computational prediction suggests that this variant may not impact protein structure and function (internally defined REVEL score threshold <= 0.5, PMID: 27666373). Splice site prediction tools suggest that this variant may not impact RNA splicing. To our knowledge, functional studies have not been reported for this variant. This variant has not been reported in individuals affected with hereditary cancer in the literature. This variant has been identified in 1/250766 chromosomes in the general population by the Genome Aggregation Database (gnomAD). The available evidence is insufficient to determine the role of this variant in disease conclusively. Therefore, this variant is classified as a Variant of Uncertain Significance.

Ambry Genetics
Classification: Uncertain significance for Hereditary cancer-predisposing syndrome. Last evaluated: 2024-08-02. Review status: criteria provided, single submitter. Criteria: Ambry Variant Classification Scheme 2023. Collection method: clinical testing. Allele origin: germline.
Comment: The p.P1361L variant (also known as c.4082C>T), located in coding exon 15 of the APC gene, results from a C to T substitution at nucleotide position 4082. The proline at codon 1361 is replaced by leucine, an amino acid with similar properties. This amino acid position is highly conserved in available vertebrate species. In addition, in silico predictors for this gene do not accurately predict pathogenicity. Since supporting evidence is limited at this time, the clinical significance of this alteration remains unclear.

GeneDx
Classification: Uncertain significance. Last evaluated: 2023-03-15. Review status: criteria provided, single submitter. Criteria: GeneDx Variant Classification Process June 2021. Collection method: clinical testing. Allele origin: germline. Affected: yes.
Comment: Not observed at significant frequency in large population cohorts (gnomAD); In silico analysis supports that this missense variant has a deleterious effect on protein structure/function; Has not been previously published as a germline pathogenic or benign variant to our knowledge; This variant is associated with the following publications: (PMID: 25415047, 25031014, 21859464, 25343854, 18199528)

Women's Health and Genetics/Laboratory Corporation of America, LabCorp
Classification: Uncertain significance. Last evaluated: 2022-08-11. Review status: criteria provided, single submitter. Criteria: LabCorp Variant Classification Summary - May 2015. Collection method: clinical testing. Allele origin: germline.
Comment: Variant summary: APC c.4082C>T (p.Pro1361Leu) results in a non-conservative amino acid change in the encoded protein sequence. Five of five in-silico tools predict a damaging effect of the variant on protein function. The variant allele was found at a frequency of 4e-06 in 250766 control chromosomes (gnomAD). The available data on variant occurrences in the general population are insufficient to allow any conclusion about variant significance. To our knowledge, no occurrences of c.4082C>T in individuals affected with Familial Adenomatous Polyposis and no experimental evidence demonstrating its impact on protein function have been reported. Four ClinVar submitters have assessed the variant since 2014: all have classified the variant as of uncertain significance. Based on the evidence outlined above, the variant was classified as uncertain significance.

NM_000038.6(APC):c.4082C>T (p.Pro1361Leu)

Gene: APC (APC regulator of Wnt signaling pathway; plus strand). Cytogenetic location: 5q22.2.
Variant type: single nucleotide variant.
Coding change: c.4082C>T on transcript NM_000038.6 (MANE Select); coding-DNA position 4082, C replaced by T.
Protein change: p.Pro1361Leu; replaces proline 1361 with leucine.
Molecular consequence: missense variant.
Genome position (GRCh38, 1-based): chr5:112,839,676, C>T. VCF-style: chr5-112839676-C-T. GRCh37 (hg19) VCF-style: chr5-112175373-C-T.
Other names: c.4082C>T, p.Pro1361Leu (NM_001127510.3, NM_001354895.2); c.4028C>T, p.Pro1343Leu (NM_001127511.3); c.4136C>T, p.Pro1379Leu (NM_001354896.2); c.4112C>T, p.Pro1371Leu (NM_001354897.2); c.4007C>T, p.Pro1336Leu (NM_001354898.2); c.3998C>T, p.Pro1333Leu (NM_001354899.2); c.3959C>T, p.Pro1320Leu (NM_001354900.2); c.3905C>T, p.Pro1302Leu (NM_001354901.2); and 5 more; short protein forms P1361L, P1343L, P1235L, P1320L, P1201L, P1260L, P1270L, P1333L.
Identifiers: ClinVar variation 411348 (VCV000411348.21), dbSNP rs1060503264, ClinGen allele CA16030274.